The following is an entry in ClinVar:

NM_001159773.2(CANT1):c.310C>T (p.Arg104Trp)

Gene: CANT1 (calcium activated nucleotidase 1; minus strand). Cytogenetic location: 17q25.3.
Variant type: single nucleotide variant.
Coding change: c.310C>T on transcript NM_001159773.2 (MANE Select); coding-DNA position 310, C replaced by T.
Protein change: p.Arg104Trp; replaces arginine 104 with tryptophan.
Molecular consequence: missense variant.
Genome position (GRCh38, 1-based): chr17:78,997,313, G>A on the plus strand (C>T on the coding strand, the complement: CANT1 is on the minus strand). VCF-style: chr17-78997313-G-A. GRCh37 (hg19) VCF-style: chr17-76993395-G-A.
Other names: c.310C>T, p.Arg104Trp (NM_001159772.2, NM_138793.4); short protein forms R104W.
Identifiers: ClinVar variation 3631714 (VCV003631714.2).

ClinVar aggregate classification (germline): Uncertain significance (1 of 4 stars; one submission).

gnomAD v4.1: 14 of 1,614,132 alleles (0.00087%); highest among the groups gnomAD compares: East Asian, 0.0022%; no homozygotes.

Submission:

Labcorp Genetics (formerly Invitae), Labcorp
Classification: Uncertain significance. Last evaluated: 2024-08-08. Review status: criteria provided, single submitter. Criteria: Invitae Variant Classification Sherloc (09022015). Collection method: clinical testing. Allele origin: germline.
Comment: This sequence change replaces arginine, which is basic and polar, with tryptophan, which is neutral and slightly polar, at codon 104 of the CANT1 protein (p.Arg104Trp). This variant is present in population databases (rs200503476, gnomAD 0.005%). This variant has not been reported in the literature in individuals affected with CANT1-related conditions. Advanced modeling of protein sequence and biophysical properties (such as structural, functional, and spatial information, amino acid conservation, physicochemical variation, residue mobility, and thermodynamic stability) performed at Invitae indicates that this missense variant is not expected to disrupt CANT1 protein function with a negative predictive value of 80%. In summary, the available evidence is currently insufficient to determine the role of this variant in disease. Therefore, it has been classified as a Variant of Uncertain Significance.